The following is an entry in ClinVar:

NM_014336.5(AIPL1):c.97-9G>A

Gene: AIPL1 (AIP like 1 HSP90 co-chaperone; minus strand). Cytogenetic location: 17p13.2.
Variant type: single nucleotide variant.
Coding change: c.97-9G>A on transcript NM_014336.5 (MANE Select); 9 bases into the intron before coding-DNA position 97, G replaced by A.
Molecular consequence: intron variant.
Genome position (GRCh38, 1-based): chr17:6,434,107, C>T on the plus strand (G>A on the coding strand, the complement: AIPL1 is on the minus strand). VCF-style: chr17-6434107-C-T. GRCh37 (hg19) VCF-style: chr17-6337427-C-T.
Other names: c.96+902G>A (NM_001033055.3); c.97-75G>A (NM_001285400.3); c.97-45G>A (NM_001285399.3); c.97-9G>A (NM_001033054.3, NM_001285401.3, NM_001285403.4); c.-21-9G>A (NM_001285402.2).
Identifiers: ClinVar variation 99808 (VCV000099808.28), dbSNP rs140124986, ClinGen allele CA227901.

ClinVar aggregate classification (germline): Conflicting classifications of pathogenicity. Review status: criteria provided, conflicting classifications (1 of 4 stars). 7 submissions from 7 submitters: Uncertain significance (1); Benign (1); Likely benign (2). 3 of the submissions do not count toward it. Last evaluated 2026-01-21.

Conditions:
Leber congenital amaurosis 4 (LCA4). Identifiers: MedGen C1858386, MONDO:0011458, OMIM 604393.

Allele frequency attached by ClinVar (database versions not stated): gnomAD exomes 0.00046 and 0.00113; ExAC 0.00156; gnomAD 0.00440 and 0.00457; ESP Exome Variant Server 0.00469; TOPMed 0.00483; 1000 Genomes Project 0.00879; 1000 Genomes Project 30x 0.01015.

Submissions (7):

Labcorp Genetics (formerly Invitae), Labcorp
Classification: Benign for Leber congenital amaurosis 4. Last evaluated: 2026-01-21. Review status: criteria provided, single submitter. Criteria: Invitae Variant Classification Sherloc (09022015). Collection method: clinical testing. Allele origin: germline.

CeGaT Center for Human Genetics Tuebingen
Classification: Likely benign. Last evaluated: 2025-03-01. Review status: criteria provided, single submitter. Criteria: CeGaT Center For Human Genetics Tuebingen Variant Classification Criteria Version 2. Collection method: clinical testing. Allele origin: germline. Affected: yes. Observed: 1 variant allele.
Comment: AIPL1: BS1

Blueprint Genetics
Classification: Likely benign. Last evaluated: 2024-09-16. Review status: criteria provided, single submitter. Criteria: ACMG Guidelines, 2015. Collection method: clinical testing. Allele origin: germline.

Illumina Laboratory Services, Illumina
Classification: Uncertain significance for Leber congenital amaurosis 4. Last evaluated: 2018-01-13. Review status: criteria provided, single submitter. Criteria: ICSL Variant Classification Criteria 13 December 2019. Collection method: clinical testing. Allele origin: germline.

Clinical Genetics DNA and cytogenetics Diagnostics Lab, Erasmus MC, Erasmus Medical Center
Classification: Likely benign. Review status: no assertion criteria provided. Collection method: clinical testing. Allele origin: germline. Affected: yes. Study: VKGL Data-share Consensus. Not counted in ClinVar's aggregate classification.

Clinical Genetics, Academic Medical Center
Classification: Benign. Review status: no assertion criteria provided. Collection method: clinical testing. Allele origin: germline. Affected: yes. Study: VKGL Data-share Consensus. Not counted in ClinVar's aggregate classification.

Retina International
No classification provided. Review status: no classification provided. Collection method: not provided. Allele origin: not provided. Not counted in ClinVar's aggregate classification.